The following is an entry in ClinVar:

NM_001286445.3(RIPOR2):c.1164+425G>A

Gene: RIPOR2 (RHO family interacting cell polarization regulator 2; minus strand). Cytogenetic location: 6p22.3.
Variant type: single nucleotide variant.
Coding change: c.1164+425G>A on transcript NM_001286445.3 (MANE Select); 425 bases into the intron after coding-DNA position 1164, G replaced by A.
Molecular consequence: intron variant. On other transcripts: missense variant (1).
Genome position (GRCh38, 1-based): chr6:24,847,600, C>T on the plus strand (G>A on the coding strand, the complement: RIPOR2 is on the minus strand). VCF-style: chr6-24847600-C-T. GRCh37 (hg19) VCF-style: chr6-24847828-C-T.
Other names: c.1169G>A, p.Arg390His (NM_014722.5); c.1077+425G>A (NM_001346031.2, NM_001346032.2, NM_015864.5 and 1 more transcripts); c.1179+425G>A (NM_001286446.3); short protein forms R390H.
Identifiers: ClinVar variation 3364593 (VCV003364593.1).

ClinVar aggregate classification (germline): Uncertain significance (1 of 4 stars; one submission).

gnomAD v4.1: 15 of 1,551,620 alleles (0.00097%); highest among the groups gnomAD compares: Non-Finnish European, 0.0012%; no homozygotes.

Submission:

GeneDx
Classification: Uncertain significance. Last evaluated: 2023-11-28. Review status: criteria provided, single submitter. Criteria: GeneDx Variant Classification Process June 2021. Collection method: clinical testing. Allele origin: germline. Affected: yes.
Comment: Not observed at significant frequency in large population cohorts (gnomAD); In silico analysis supports that this missense variant does not alter protein structure/function; Has not been previously published as pathogenic or benign to our knowledge; Variants in candidate genes are classified as variants of uncertain significance in accordance with ACMG guidelines (PMID: 25741868)